The following is an entry in ClinVar:

NM_001098426.2(SMARCD2):c.1475A>G (p.Glu492Gly)

Gene: SMARCD2 (SWI/SNF related BAF chromatin remodeling complex subunit D2; minus strand). Cytogenetic location: 17q23.3.
Variant type: single nucleotide variant.
Coding change: c.1475A>G on transcript NM_001098426.2 (MANE Select); coding-DNA position 1475, A replaced by G.
Protein change: p.Glu492Gly; replaces glutamic acid 492 with glycine.
Molecular consequence: missense variant.
Genome position (GRCh38, 1-based): chr17:63,833,136, T>C on the plus strand (A>G on the coding strand, the complement: SMARCD2 is on the minus strand). VCF-style: chr17-63833136-T-C. GRCh37 (hg19) VCF-style: chr17-61910496-T-C.
Other names: c.1250A>G, p.Glu417Gly (NM_001330439.1); c.1331A>G, p.Glu444Gly (NM_001330440.2); short protein forms E444G, E492G, E417G.
Identifiers: ClinVar variation 3650137 (VCV003650137.2).
Genomic context (GRCh38, chr17:63,833,136, plus strand): 5'-AAGATGTGCCTGCCTACTGCTTCCTGGGCCCAGGGCTGGTGGTAGAAAGCAGCTCGTCTC[T>C]CCTCCTCAGGATTTCCAATCACATCAGTGATGATCTGCAAAGAGCCAGGAGGAAAGCCAT-3'
Protein context (NP_001091896.1, residues 482-502): ITDVIGNPEE[Glu492Gly]RRAAFYHQPW

ClinVar aggregate classification (germline): Uncertain significance (1 of 4 stars; one submission).

Submission:

Labcorp Genetics (formerly Invitae), Labcorp
Classification: Uncertain significance. Last evaluated: 2024-04-16. Review status: criteria provided, single submitter. Criteria: Invitae Variant Classification Sherloc (09022015). Collection method: clinical testing. Allele origin: germline.
Comment: This sequence change replaces glutamic acid, which is acidic and polar, with glycine, which is neutral and non-polar, at codon 492 of the SMARCD2 protein (p.Glu492Gly). This variant is not present in population databases (gnomAD no frequency). This variant has not been reported in the literature in individuals affected with SMARCD2-related conditions. Advanced modeling of protein sequence and biophysical properties (such as structural, functional, and spatial information, amino acid conservation, physicochemical variation, residue mobility, and thermodynamic stability) has been performed at Invitae for this missense variant, however the output from this modeling did not meet the statistical confidence thresholds required to predict the impact of this variant on SMARCD2 protein function. In summary, the available evidence is currently insufficient to determine the role of this variant in disease. Therefore, it has been classified as a Variant of Uncertain Significance.